The following is an entry in ClinVar:

NM_001378615.1(CC2D2A):c.3320_3321del (p.Phe1107fs)

Genes: CC2D2A (coiled-coil and C2 domain containing 2A; plus strand), FBXL5 (F-box and leucine rich repeat protein 5; minus strand). Cytogenetic location: 4p15.32.
Variant type: Deletion.
Coding change: c.3320_3321del on transcript NM_001378615.1 (MANE Select); coding-DNA positions 3320 to 3321, 2 bases deleted (TT; older notation c.3320_3321delTT).
Protein change: p.Phe1107fs; shifts the reading frame from phenylalanine 1107.
Molecular consequence: frameshift variant.
Genome position (GRCh38, 1-based): chr4:15,567,708-15,567,709, TT deleted; deleting any 2 consecutive bases within chr4:15,567,706-15,567,709 gives the same sequence; the c. name uses the placement nearest the transcript's 3' end. VCF-style (leftmost placement, unchanged base first): chr4-15567705-CTT-C. GRCh37 (hg19) VCF-style: chr4-15569328-CTT-C.
Other names: c.3320_3321del, p.Phe1107fs (NM_001080522.2); c.3173_3174del, p.Phe1058fs (NM_001378617.1); short protein forms F1058fs, F1107fs.
Identifiers: ClinVar variation 1076327 (VCV001076327.7), dbSNP rs2109070615, ClinGen allele CA2499217132.
Genomic context (GRCh38, chr4:15,567,705, plus strand): 5'-TTGGGAACTCAGAATTTGCTCTTGATTTTAAGGTTTTAGTACGTCCCTTTGTAGAAGTCT[CTT>C]TTCAACGAACAGTTTGCCATACGACTACGGCTGAAGGACCAAACCCTAGCTGGAATGAAG-3'

ClinVar aggregate classification (germline): Pathogenic (1 of 4 stars; one submission).

Conditions:
Joubert syndrome. Also called: JOUBERT-BOLTSHAUSER SYNDROME; Familial aplasia of the vermis. Identifiers: Orphanet 475, MedGen C5979921, MONDO:0018772.
Meckel-Gruber syndrome. Also called: DYSENCEPHALIA SPLANCHNOCYSTICA; GRUBER SYNDROME; Dysencephalia splachnocystica. Identifiers: Orphanet 564, MedGen C0265215, MONDO:0018921.

Submission:

Labcorp Genetics (formerly Invitae), Labcorp
Classification: Pathogenic for Joubert syndrome; Meckel-Gruber syndrome. Last evaluated: 2022-06-20. Review status: criteria provided, single submitter. Criteria: Invitae Variant Classification Sherloc (09022015). Collection method: clinical testing. Allele origin: germline.
Comment: ClinVar contains an entry for this variant (Variation ID: 1076327). This variant has not been reported in the literature in individuals affected with CC2D2A-related conditions. This variant is not present in population databases (gnomAD no frequency). This sequence change creates a premature translational stop signal (p.Phe1107Serfs*11) in the CC2D2A gene. It is expected to result in an absent or disrupted protein product. Loss-of-function variants in CC2D2A are known to be pathogenic (PMID: 19777577). For these reasons, this variant has been classified as Pathogenic.

Literature cited by the submitters: PubMed 19777577.